The following is an entry in ClinVar:

NM_152783.5(D2HGDH):c.319C>T (p.Arg107Trp)

Gene: D2HGDH (D-2-hydroxyglutarate dehydrogenase; plus strand). Cytogenetic location: 2q37.3.
Variant type: single nucleotide variant.
Coding change: c.319C>T on transcript NM_152783.5 (MANE Select); coding-DNA position 319, C replaced by T.
Protein change: p.Arg107Trp; replaces arginine 107 with tryptophan.
Molecular consequence: missense variant. On other transcripts: 5 prime UTR variant (2), non-coding transcript variant (1).
Genome position (GRCh38, 1-based): chr2:241,741,059, C>T. VCF-style: chr2-241741059-C-T. GRCh37 (hg19) VCF-style: chr2-242680474-C-T.
Other names: c.-84C>T (NM_001287249.2); c.-226C>T (NM_001352824.2); short protein forms R107W.
Identifiers: ClinVar variation 897184 (VCV000897184.7), dbSNP rs760624454, ClinGen allele CA2221591.
Genomic context (GRCh38, chr2:241,741,059, plus strand): 5'-CACGCTGTCTCATAGGATCTTCTTCCTGTCACAGGCTGTAGCAAGGTGCTGCTGAGGCCA[C>T]GGACGTCGGAGGAGGTGTCCCACATCCTCAGGTGAGGTGGTGGCTCCCGGCTCCCCCAGC-3'
Protein context (NP_689996.4, residues 97-117): RGCSKVLLRP[Arg107Trp]TSEEVSHILR

ClinVar aggregate classification (germline): Uncertain significance. Review status: criteria provided, multiple submitters, no conflicts (2 of 4 stars). 3 submissions from 3 submitters: Uncertain significance (3). Last evaluated 2025-02-18.

Conditions:
D-2-hydroxyglutaric aciduria 1 (D2HGA1). Identifiers: Orphanet 79315, MedGen C3152055, MONDO:0024554, OMIM 600721.
Inborn genetic diseases. Identifiers: MedGen C0950123, MeSH D030342.

Allele frequency attached by ClinVar (database versions not stated): TOPMed 0.00001; gnomAD exomes 0.00002; ExAC 0.00003.
gnomAD v4.1: 24 of 1,614,022 alleles (0.0015%); highest among the groups gnomAD compares: East Asian, 0.0089%; no homozygotes.

Submissions (3):

Ambry Genetics
Classification: Uncertain significance for Inborn genetic diseases. Last evaluated: 2025-02-18. Review status: criteria provided, single submitter. Criteria: Ambry Variant Classification Scheme 2023. Collection method: clinical testing. Allele origin: germline.

Illumina Laboratory Services, Illumina
Classification: Uncertain significance for D-2-hydroxyglutaric aciduria 1. Last evaluated: 2018-01-13. Review status: criteria provided, single submitter. Criteria: ICSL Variant Classification Criteria 13 December 2019. Collection method: clinical testing. Allele origin: germline.

Juno Genomics, Hangzhou Juno Genomics, Inc
Classification: Uncertain significance for D-2-hydroxyglutaric aciduria 1. Review status: criteria provided, single submitter. Criteria: ACMG Guidelines, 2015. Collection method: clinical testing. Allele origin: germline. Affected: yes.
Comment: Absent from controls (or at extremely low frequency if recessive) in Genome Aggregation Database, Exome Sequencing Project, 1000 Genomes Project, or Exome Aggregation Consortium.;For recessive disorders, detected in trans with a pathogenic variant.;Patient's phenotype or family history is highly specific for a disease with a single genetic etiology.